The following is an entry in ClinVar:

NM_003247.5(THBS2):c.694+5G>A

Gene: THBS2 (thrombospondin 2; minus strand). Cytogenetic location: 6q27.
Variant type: single nucleotide variant.
Coding change: c.694+5G>A on transcript NM_003247.5 (MANE Select); 5 bases into the intron after coding-DNA position 694, G replaced by A.
Molecular consequence: intron variant.
Genome position (GRCh38, 1-based): chr6:169,246,192, C>T on the plus strand (G>A on the coding strand, the complement: THBS2 is on the minus strand). VCF-style: chr6-169246192-C-T. GRCh37 (hg19) VCF-style: chr6-169646287-C-T.
Other names: c.694+5G>A (NM_001381939.1, NM_001381940.1, NM_001381941.1); c.463+5G>A (NM_001381942.1).
Identifiers: ClinVar variation 4987323 (VCV004987323.1).

ClinVar aggregate classification (germline): Uncertain significance (1 of 4 stars; one submission).

Conditions:
THBS2-related disorder. Also called: THBS2-related condition.

gnomAD v4.1: 8 of 1,613,638 alleles (0.0005%); highest among the groups gnomAD compares: Non-Finnish European, 0.00068%; no homozygotes.

Submission:

PreventionGenetics, part of Exact Sciences
Classification: Uncertain significance for THBS2-related condition. Last evaluated: 2025-03-24. Review status: criteria provided, single submitter. Criteria: ACMG Guidelines, 2015. Collection method: clinical testing. Allele origin: germline.
Comment: The THBS2 c.694+5G>A variant is predicted to interfere with splicing. To our knowledge, this variant has not been reported in the literature or in a large population database (gnomAD), indicating this variant is rare. At this time, the clinical significance of this variant is uncertain due to the absence of conclusive functional and genetic evidence.